The following is an entry in ClinVar:

ClinVar aggregate classification (germline): Conflicting classifications of pathogenicity. Review status: criteria provided, conflicting classifications (1 of 4 stars). 4 submissions from 4 submitters: Uncertain significance (1); Likely benign (3). Last evaluated 2025-11-15.

Conditions:
Hereditary cancer-predisposing syndrome. Also called: Hereditary Cancer Syndrome; Neoplastic Syndromes, Hereditary; Tumor predisposition; Hereditary neoplastic syndrome. Identifiers: Orphanet 140162, MedGen C0027672, MeSH D009386, MONDO:0015356.
Oligodontia-cancer predisposition syndrome. Also called: TOOTH AGENESIS-COLORECTAL CANCER SYNDROME. Identifiers: Orphanet 300576, MedGen C1837750, MONDO:0012075, OMIM 608615. Disease mechanism: loss of function.

Allele frequency attached by ClinVar (database versions not stated): gnomAD exomes below 0.00001; TOPMed below 0.00001.
gnomAD v4.1: 4 of 1,536,206 alleles (0.00026%); highest among the groups gnomAD compares: Middle Eastern, 0.035%; no homozygotes.

Submissions (4):

Labcorp Genetics (formerly Invitae), Labcorp
Classification: Likely benign for Oligodontia-cancer predisposition syndrome. Last evaluated: 2025-11-15. Review status: criteria provided, single submitter. Criteria: Invitae Variant Classification Sherloc (09022015). Collection method: clinical testing. Allele origin: germline.

Myriad Genetics, Inc.
Classification: Likely benign for Oligodontia-cancer predisposition syndrome. Last evaluated: 2024-07-01. Review status: criteria provided, single submitter. Criteria: Myriad Autosomal Dominant, Autosomal Recessive and X-Linked Classification Criteria (2023). Collection method: clinical testing. Allele origin: unknown.
Comment: This variant is considered likely benign. This variant is intronic and is not expected to impact mRNA splicing.

Blueprint Genetics
Classification: Likely benign. Last evaluated: 2024-01-03. Review status: criteria provided, single submitter. Criteria: ACMG Guidelines, 2015. Collection method: clinical testing. Allele origin: germline.

Sema4
Classification: Uncertain significance for Hereditary cancer-predisposing syndrome. Last evaluated: 2022-01-15. Review status: criteria provided, single submitter. Criteria: Sema4 Curation Guidelines. Collection method: curation. Allele origin: germline.
Comment: To the best of our knowledge, the AXIN2 c.1201-9C>T variant has not been reported in individuals with AXIN2-related disease. This variant was observed in 1/84328 chromosomes in the European (non-Finnish) population, according to the Genome Aggregation Database (PMID: 32461654). This variant has been reported in ClinVar (Variation ID: 1119319). In silico tools suggest that the variant does not have an impact on splicing, though these predictions have not been confirmed by functional studies. There is no indication that this variant causes disease, but the evidence is insufficient currently to prove that conclusively. Thus, the clinical significance of this variant is currently uncertain.

NM_004655.4(AXIN2):c.1201-9C>T

Gene: AXIN2 (axin 2; minus strand). Cytogenetic location: 17q24.1.
Variant type: single nucleotide variant.
Coding change: c.1201-9C>T on transcript NM_004655.4 (MANE Select); 9 bases into the intron before coding-DNA position 1201, C replaced by T.
Molecular consequence: intron variant.
Genome position (GRCh38, 1-based): chr17:65,537,844, G>A on the plus strand (C>T on the coding strand, the complement: AXIN2 is on the minus strand). VCF-style: chr17-65537844-G-A. GRCh37 (hg19) VCF-style: chr17-63533962-G-A.
Other names: c.1201-9C>T (NM_001363813.1).
Identifiers: ClinVar variation 1119319 (VCV001119319.12), dbSNP rs1009574694, ClinGen allele CA293098518.
Genomic context (GRCh38, chr17:65,537,844, plus strand): 5'-GCGCCCCCTCCCGCGAATTGAGTGTGAGCTCGGAGCCCTCTCTCTCTTCATCCTGAAAGG[G>A]AAGACGTCAGAAGGAGAAGTGACCCAGGAAGCAGAAGGGCCAGAGGCCCTGGGGTTGCAA-3'